The following is an entry in ClinVar:

NM_004586.3(RPS6KA3):c.1741A>G (p.Thr581Ala)

Gene: RPS6KA3 (ribosomal protein S6 kinase A3; minus strand). Cytogenetic location: Xp22.12.
Variant type: single nucleotide variant.
Coding change: c.1741A>G on transcript NM_004586.3 (MANE Select); coding-DNA position 1741, A replaced by G.
Protein change: p.Thr581Ala; replaces threonine 581 with alanine.
Molecular consequence: missense variant.
Genome position (GRCh38, 1-based): chrX:20,164,922, T>C on the plus strand (A>G on the coding strand, the complement: RPS6KA3 is on the minus strand). VCF-style: chrX-20164922-T-C. GRCh37 (hg19) VCF-style: chrX-20183040-T-C.
Other names: short protein forms T581A.
Identifiers: ClinVar variation 421241 (VCV000421241.2), dbSNP rs1064795003, ClinGen allele CA16621294.

ClinVar aggregate classification (germline): Likely pathogenic (1 of 4 stars; one submission).

Submission:

GeneDx
Classification: Likely pathogenic. Last evaluated: 2016-05-16. Review status: criteria provided, single submitter. Criteria: GeneDx Variant Classification (06012015). Collection method: clinical testing. Allele origin: germline. Affected: yes.
Comment: The T581A variant in the RPS6KA3 gene has not been reported previously as a pathogenic variant, nor as a benign variant, to our knowledge. This variant was not observed in approximately 6500 individuals of European and African American ancestry in the NHLBI Exome Sequencing Project, indicating it is not a common benign variant in these populations. The T581A variant is a non-conservative amino acid substitution, which is likely to impact secondary protein structure as these residues differ in polarity, charge, size and/or other properties. This substitution occurs at a position that is conserved across species, and in silico analysis predicts this variant is probably damaging to the protein structure/function. The T581A variant is a strong candidate for a pathogenic variant, however the possibility it may be a rare benign variant cannot be excluded.